The following is an entry in ClinVar:

NM_001370466.1(NOD2):c.154C>T (p.Gln52Ter)

Gene: NOD2 (nucleotide binding oligomerization domain containing 2; plus strand). Cytogenetic location: 16q12.1.
Variant type: single nucleotide variant.
Coding change: c.154C>T on transcript NM_001370466.1 (MANE Select); coding-DNA position 154, C replaced by T.
Protein change: p.Gln52Ter; replaces glutamine 52 with a stop codon.
Molecular consequence: nonsense. On other transcripts: non-coding transcript variant (1).
Genome position (GRCh38, 1-based): chr16:50,699,649, C>T. VCF-style: chr16-50699649-C-T. GRCh37 (hg19) VCF-style: chr16-50733560-C-T.
Other names: c.154C>T, p.Gln52Ter (NM_001293557.2); c.235C>T, p.Gln79Ter (NM_022162.3); short protein forms Q52*, Q79*.
Identifiers: ClinVar variation 2060205 (VCV002060205.4), dbSNP rs779970018, ClinGen allele CA8051228.
Genomic context (GRCh38, chr16:50,699,649, plus strand): 5'-TGGCTGCTGTCCTGGGAGGTCCTCTCCTGGGAGGACTACGAGGGCTTCCACCTCCTGGGC[C>T]AGCCTCTCTCCCACTTGGCCAGGCGCCTTCTGGACACCGTCTGGAATAAGGGTACTTGGG-3'

ClinVar aggregate classification (germline): Uncertain significance (1 of 4 stars; one submission).

Conditions:
Regional enteritis. Also called: Enteritis, Granulomatous. Identifiers: MedGen C0678202, MeSH D003424.
Blau syndrome (BLAUS). Also called: GRANULOMATOSIS, FAMILIAL JUVENILE SYSTEMIC; GRANULOMATOSIS, FAMILIAL, BLAU TYPE; GRANULOMATOUS INFLAMMATORY ARTHRITIS, DERMATITIS, AND UVEITIS, FAMILIAL; JABS SYNDROME; ARTHROCUTANEOUVEAL GRANULOMATOSIS. Identifiers: Orphanet 90340, MedGen C5201146, MONDO:0008523, OMIM 186580.

Allele frequency attached by ClinVar (database versions not stated): ExAC 0.00001; TOPMed 0.00001; gnomAD 0.00003.
gnomAD v4.1: 4 of 1,614,042 alleles (0.00025%); highest among the groups gnomAD compares: African/African-American, 0.0053%; no homozygotes.

Submission:

Labcorp Genetics (formerly Invitae), Labcorp
Classification: Uncertain significance for Regional enteritis; Blau syndrome. Last evaluated: 2023-07-09. Review status: criteria provided, single submitter. Criteria: Invitae Variant Classification Sherloc (09022015). Collection method: clinical testing. Allele origin: germline.
Comment: In summary, the available evidence is currently insufficient to determine the role of this variant in disease. Therefore, it has been classified as a Variant of Uncertain Significance. ClinVar contains an entry for this variant (Variation ID: 2060205). This variant has not been reported in the literature in individuals affected with NOD2-related conditions. This variant is present in population databases (rs779970018, gnomAD 0.01%). This sequence change creates a premature translational stop signal (p.Gln79*) in the NOD2 gene. It is expected to result in an absent or disrupted protein product. However, the current clinical and genetic evidence is not sufficient to establish whether loss-of-function variants in NOD2 cause disease.